The following is an entry in ClinVar:

NM_001015048.3(BAG5):c.1063del (p.Arg355fs)

Gene: BAG5 (BAG cochaperone 5; minus strand). Cytogenetic location: 14q32.33.
Variant type: Deletion.
Coding change: c.1063del on transcript NM_001015048.3 (MANE Select); coding-DNA position 1063, one base deleted (A; older notation c.1063delA).
Protein change: p.Arg355fs; shifts the reading frame from arginine 355.
Molecular consequence: frameshift variant.
Genome position (GRCh38, 1-based): chr14:103,560,102, T deleted on the plus strand (A on the coding strand, the reverse complement: BAG5 is on the minus strand); the first of 4 consecutive T bases (chr14:103,560,102-103,560,105); deleting any one gives the same sequence. VCF-style (leftmost placement, unchanged base first): chr14-103560101-CT-C. GRCh37 (hg19) VCF-style: chr14-104026438-CT-C.
Other names: c.1063del, p.Arg355fs (NM_001015049.5, NM_004873.4); short protein forms R355fs.
Identifiers: ClinVar variation 2165501 (VCV002165501.4), dbSNP rs2507434316, ClinGen allele CA2580088460.
Genomic context (GRCh38, chr14:103,560,101, plus strand): 5'-TTTCCAAGGACGTTCCAGACGGCTTTATGGGATGGGTGCTCCTCACAAGCAAACAGCTTT[CT>C]TTTCTCAAGGGCCTCCTTCAAGTCAATATATGTGATCAGAGTTTGCACCTCGATCACTGC-3'

ClinVar aggregate classification (germline): Uncertain significance (1 of 4 stars; one submission).

Submission:

Labcorp Genetics (formerly Invitae), Labcorp
Classification: Uncertain significance. Last evaluated: 2022-06-28. Review status: criteria provided, single submitter. Criteria: Invitae Variant Classification Sherloc (09022015). Collection method: clinical testing. Allele origin: germline.
Comment: This sequence change creates a premature translational stop signal (p.Arg396Glufs*53) in the BAG5 gene. While this is not anticipated to result in nonsense mediated decay, it is expected to disrupt the last 93 amino acid(s) of the BAG5 protein. This variant is not present in population databases (gnomAD no frequency). This variant has not been reported in the literature in individuals affected with BAG5-related conditions. Experimental studies and prediction algorithms are not available or were not evaluated, and the functional significance of this variant is currently unknown. In summary, the available evidence is currently insufficient to determine the role of this variant in disease. Therefore, it has been classified as a Variant of Uncertain Significance.